The following is an entry in ClinVar:

NM_000428.3(LTBP2):c.5187C>T (p.Phe1729=)

Gene: LTBP2 (latent transforming growth factor beta binding protein 2; minus strand). Cytogenetic location: 14q24.3.
Variant type: single nucleotide variant.
Coding change: c.5187C>T on transcript NM_000428.3 (MANE Select); coding-DNA position 5187, C replaced by T.
Protein change: p.Phe1729=; no amino-acid change (phenylalanine 1729 retained).
Molecular consequence: synonymous variant.
Genome position (GRCh38, 1-based): chr14:74,501,574, G>A on the plus strand (C>T on the coding strand, the complement: LTBP2 is on the minus strand). VCF-style: chr14-74501574-G-A. GRCh37 (hg19) VCF-style: chr14-74968277-G-A.
Identifiers: ClinVar variation 731624 (VCV000731624.15), dbSNP rs149587738, ClinGen allele CA7268484.

ClinVar aggregate classification (germline): Conflicting classifications of pathogenicity. Review status: criteria provided, conflicting classifications (1 of 4 stars). 5 submissions from 4 submitters: Uncertain significance (1); Benign (2); Likely benign (2). Last evaluated 2026-01-26.

Conditions:
Weill-Marchesani syndrome. Also called: WM Syndrome; Mesodermal dysmorphodystrophy congenital. Identifiers: Orphanet 3449, MedGen C0265313, MONDO:0018096.
Glaucoma 3, primary congenital, D. Identifiers: Orphanet 98976, MedGen C2751316, MONDO:0013122, OMIM 613086.

Allele frequency attached by ClinVar (database versions not stated): gnomAD exomes 0.00044 and 0.00117; ExAC 0.00146; 1000 Genomes Project 30x 0.00437; 1000 Genomes Project 0.00439; gnomAD 0.00465 and 0.00497; ESP Exome Variant Server 0.00515; TOPMed 0.00534.

Submissions (5):

Labcorp Genetics (formerly Invitae), Labcorp
Classification: Benign. Last evaluated: 2026-01-26. Review status: criteria provided, single submitter. Criteria: Invitae Variant Classification Sherloc (09022015). Collection method: clinical testing. Allele origin: germline.

Blueprint Genetics
Classification: Likely benign. Last evaluated: 2024-09-13. Review status: criteria provided, single submitter. Criteria: ACMG Guidelines, 2015. Collection method: clinical testing. Allele origin: germline.

GeneDx
Classification: Likely benign. Last evaluated: 2022-02-14. Review status: criteria provided, single submitter. Criteria: GeneDx Variant Classification Process June 2021. Collection method: clinical testing. Allele origin: germline. Affected: yes.
Comment: See Variant Classification Assertion Criteria.

Illumina Laboratory Services, Illumina
Classification: Benign for Weill-Marchesani syndrome. Last evaluated: 2018-01-12. Review status: criteria provided, single submitter. Criteria: ICSL Variant Classification Criteria 13 December 2019. Collection method: clinical testing. Allele origin: germline.
Comment: This variant was observed in the ICSL laboratory as part of a predisposition screen in an ostensibly healthy population. It had not been previously curated by ICSL or reported in the Human Gene Mutation Database (HGMD: prior to June 1st, 2018), and was therefore a candidate for classification through an automated scoring system. Utilizing variant allele frequency, disease prevalence and penetrance estimates, and inheritance mode, an automated score was calculated to assess if this variant is too frequent to cause the disease. Based on the score and internal cut-off values, a variant classified as benign is not then subjected to further curation. The score for this variant resulted in a classification of benign for this disease.

Illumina Laboratory Services, Illumina
Classification: Uncertain significance for Glaucoma 3, primary congenital, D. Last evaluated: 2018-01-12. Review status: criteria provided, single submitter. Criteria: ICSL Variant Classification Criteria 13 December 2019. Collection method: clinical testing. Allele origin: germline.